The following is an entry in ClinVar:

NM_000257.4(MYH7):c.5180del (p.Lys1727fs)

Genes: MHRT (myosin heavy chain associated RNA transcript; plus strand), MYH7 (myosin heavy chain 7; minus strand), LOC126861897 (BRD4-independent group 4 enhancer GRCh37_chr14:23884455-23885654; plus strand). Cytogenetic location: 14q11.2.
Variant type: Deletion.
Coding change: c.5180del on transcript NM_000257.4 (MANE Select); coding-DNA position 5180, one base deleted (A; older notation c.5180delA).
Protein change: p.Lys1727fs; shifts the reading frame from lysine 1727.
Molecular consequence: frameshift variant. On other transcripts: non-coding transcript variant (1).
Genome position (GRCh38, 1-based): chr14:23,415,484, T deleted on the plus strand (A on the coding strand, the reverse complement: MYH7 is on the minus strand); the first of 2 consecutive T bases (chr14:23,415,484-23,415,485); deleting either gives the same sequence. VCF-style (leftmost placement, unchanged base first): chr14-23415483-CT-C. GRCh37 (hg19) VCF-style: chr14-23884692-CT-C.
Other names: short protein forms K1727fs.
Identifiers: ClinVar variation 943900 (VCV000943900.1), dbSNP rs1892155939, ClinGen allele CA1139663360.
Genomic context (GRCh38, chr14:23,415,483, plus strand): 5'-CTCCTGCACTGCCTCCTCCACTTCAGTCTGGAGCTGGGACAGGTCAGCATCCATCTTCTT[CT>C]TCTGGTTGATGAGGCTGGTGTTCTGGGTTGGGGGAGGGTTGGGCAGAGCAGGAAAAGCAT-3'

ClinVar aggregate classification (germline): Uncertain significance (1 of 4 stars; one submission).

Conditions:
Hypertrophic cardiomyopathy. Also called: HYPERTROPHIC MYOCARDIOPATHY. Identifiers: Orphanet 217569, MedGen C0007194, MeSH D002312, MONDO:0005045, HP:0001639.

Submission:

Labcorp Genetics (formerly Invitae), Labcorp
Classification: Uncertain significance for Hypertrophic cardiomyopathy. Last evaluated: 2019-09-17. Review status: criteria provided, single submitter. Criteria: Invitae Variant Classification Sherloc (09022015). Collection method: clinical testing. Allele origin: germline.
Comment: This sequence change creates a premature translational stop signal (p.Lys1727Argfs*38) in the MYH7 gene. It is expected to result in an absent or disrupted protein product. This variant is not present in population databases (ExAC no frequency). This variant has not been reported in the literature in individuals with MYH7-related conditions. The current clinical and genetic evidence is not sufficient to establish whether loss-of-function variants in MYH7 cause disease. In summary, the available evidence is currently insufficient to determine the role of this variant in disease. Therefore, it has been classified as a Variant of Uncertain Significance.